The following is an entry in ClinVar:

ClinVar aggregate classification (germline): Uncertain significance. Review status: criteria provided, multiple submitters, no conflicts (2 of 4 stars). 2 submissions from 2 submitters: Uncertain significance (2). Last evaluated 2025-09-15.

Conditions:
Colorectal cancer, susceptibility to, 12 (CRCS12). Also called: COLORECTAL CANCER, SUSCEPTIBILITY TO, ON CHROMOSOME 12q24. Identifiers: Orphanet 220460, MedGen C3554460, MONDO:0014038, OMIM 615083.

Submissions (2):

Labcorp Genetics (formerly Invitae), Labcorp
Classification: Uncertain significance. Last evaluated: 2025-09-15. Review status: criteria provided, single submitter. Criteria: Invitae Variant Classification Sherloc (09022015). Collection method: clinical testing. Allele origin: germline.
Comment: This sequence change replaces tryptophan, which is neutral and slightly polar, with glycine, which is neutral and non-polar, at codon 243 of the POLE protein (p.Trp243Gly). This variant is not present in population databases (gnomAD no frequency). This variant has not been reported in the literature in individuals affected with POLE-related conditions. ClinVar contains an entry for this variant (Variation ID: 1683637). Invitae Evidence Modeling of protein sequence and biophysical properties (such as structural, functional, and spatial information, amino acid conservation, physicochemical variation, residue mobility, and thermodynamic stability) indicates that this missense variant is expected to disrupt POLE protein function with a positive predictive value of 80%. In summary, the available evidence is currently insufficient to determine the role of this variant in disease. Therefore, it has been classified as a Variant of Uncertain Significance.

Laboratorio de Genetica e Diagnostico Molecular, Hospital Israelita Albert Einstein
Classification: Uncertain significance for Colorectal cancer, susceptibility to, 12. Last evaluated: 2021-12-08. Review status: criteria provided, single submitter. Criteria: ACMG Guidelines, 2015. Collection method: clinical testing. Allele origin: germline. Affected: yes.
Comment: ACMG classification criteria: PM2 moderate, PP3 supporting

NM_006231.4(POLE):c.727T>G (p.Trp243Gly)

Gene: POLE (DNA polymerase epsilon, catalytic subunit; minus strand). Cytogenetic location: 12q24.33.
Variant type: single nucleotide variant.
Coding change: c.727T>G on transcript NM_006231.4 (MANE Select); coding-DNA position 727, T replaced by G.
Protein change: p.Trp243Gly; replaces tryptophan 243 with glycine.
Molecular consequence: missense variant.
Genome position (GRCh38, 1-based): chr12:132,677,437, A>C on the plus strand (T>G on the coding strand, the complement: POLE is on the minus strand). VCF-style: chr12-132677437-A-C. GRCh37 (hg19) VCF-style: chr12-133254023-A-C.
Other names: short protein forms W243G.
Identifiers: ClinVar variation 1683637 (VCV001683637.3), dbSNP rs2136018853, ClinGen allele CA387364553.